The following is an entry in ClinVar:

ClinVar aggregate classification (germline): Likely benign. Review status: criteria provided, multiple submitters, no conflicts (2 of 4 stars). 4 submissions from 4 submitters: Likely benign (4). Last evaluated 2026-01-06.

Allele frequency attached by ClinVar (database versions not stated): 1000 Genomes Project 30x 0.00016; 1000 Genomes Project 0.00020; gnomAD 0.00080 and 0.00092; TOPMed 0.00108; ExAC 0.00173.
gnomAD v4.1: 1,654 of 1,536,232 alleles (0.11%); highest among the groups gnomAD compares: South Asian, 0.33%; 7 homozygotes.

Submissions (4):

Labcorp Genetics (formerly Invitae), Labcorp
Classification: Likely benign. Last evaluated: 2026-01-06. Review status: criteria provided, single submitter. Criteria: Invitae Variant Classification Sherloc (09022015). Collection method: clinical testing. Allele origin: germline.

CeGaT Center for Human Genetics Tuebingen
Classification: Likely benign. Last evaluated: 2026-01-01. Review status: criteria provided, single submitter. Criteria: CeGaT Center For Human Genetics Tuebingen Variant Classification Criteria Version 2. Collection method: clinical testing. Allele origin: germline. Affected: yes. Observed: 2 variant alleles.
Comment: C2CD3: BP4, BS2

Blueprint Genetics
Classification: Likely benign. Last evaluated: 2024-11-19. Review status: criteria provided, single submitter. Criteria: ACMG Guidelines, 2015. Collection method: clinical testing. Allele origin: germline.

Breakthrough Genomics
Classification: Likely benign. Review status: criteria provided, single submitter. Criteria: ACMG Guidelines, 2015. Collection method: not provided. Allele origin: germline. Inheritance: Autosomal recessive inheritance. Affected: yes.

NM_001286577.2(C2CD3):c.6487G>T (p.Val2163Phe)

Gene: C2CD3 (C2 domain containing 3 centriole elongation regulator; minus strand). Cytogenetic location: 11q13.4.
Variant type: single nucleotide variant.
Coding change: c.6487G>T on transcript NM_001286577.2 (MANE Select); coding-DNA position 6487, G replaced by T.
Protein change: p.Val2163Phe; replaces valine 2163 with phenylalanine.
Molecular consequence: missense variant.
Genome position (GRCh38, 1-based): chr11:74,033,673, C>A on the plus strand (G>T on the coding strand, the complement: C2CD3 is on the minus strand). VCF-style: chr11-74033673-C-A. GRCh37 (hg19) VCF-style: chr11-73744718-C-A.
Other names: short protein forms V2163F.
Identifiers: ClinVar variation 1658277 (VCV001658277.34), dbSNP rs550167325, ClinGen allele CA6181713.